The following is an entry in ClinVar:

NM_001360016.2(G6PD):c.277G>A (p.Glu93Lys)

Gene: G6PD (glucose-6-phosphate dehydrogenase; minus strand). Cytogenetic location: Xq28.
Variant type: single nucleotide variant.
Coding change: c.277G>A on transcript NM_001360016.2 (MANE Select); coding-DNA position 277, G replaced by A.
Protein change: p.Glu93Lys; replaces glutamic acid 93 with lysine.
Molecular consequence: missense variant.
Genome position (GRCh38, 1-based): chrX:154,535,376, C>T on the plus strand (G>A on the coding strand, the complement: G6PD is on the minus strand). VCF-style: chrX-154535376-C-T. GRCh37 (hg19) VCF-style: chrX-153763591-C-T.
Other names: c.367G>A, p.Glu123Lys (NM_000402.4); c.277G>A, p.Glu93Lys (NM_001042351.3); short protein forms E123K, E93K.
Identifiers: ClinVar variation 2983728 (VCV002983728.3), dbSNP rs782151545, ClinGen allele CA10566273.

ClinVar aggregate classification (germline): Uncertain significance (1 of 4 stars; one submission).

Conditions:
Anemia, nonspherocytic hemolytic, due to G6PD deficiency (CNSHA1). Also called: ANEMIA, CONGENITAL, NONSPHEROCYTIC HEMOLYTIC, 1; Hemolytic anemia due to G6PD deficiency; Class I glucose-6-phosphate dehydrogenase deficiency; Favism, susceptibility to. Identifiers: Orphanet 466026, MedGen C2720289, MONDO:0010480, OMIM 300908.

Allele frequency attached by ClinVar (database versions not stated): gnomAD exomes below 0.00001; TOPMed below 0.00001; ExAC 0.00001.
gnomAD v4.1: 1 of 1,208,113 alleles (0.000083%); highest among the groups gnomAD compares: Admixed American, 0.0022%; no homozygotes.

Submission:

Labcorp Genetics (formerly Invitae), Labcorp
Classification: Uncertain significance for Anemia, nonspherocytic hemolytic, due to G6PD deficiency. Last evaluated: 2024-05-19. Review status: criteria provided, single submitter. Criteria: Invitae Variant Classification Sherloc (09022015). Collection method: clinical testing. Allele origin: germline.
Comment: This sequence change replaces glutamic acid, which is acidic and polar, with lysine, which is basic and polar, at codon 93 of the G6PD protein (p.Glu93Lys). The frequency data for this variant in the population databases is considered unreliable, as metrics indicate poor data quality at this position in the gnomAD database. This variant has not been reported in the literature in individuals affected with G6PD-related conditions. Advanced modeling of protein sequence and biophysical properties (such as structural, functional, and spatial information, amino acid conservation, physicochemical variation, residue mobility, and thermodynamic stability) has been performed at Invitae for this missense variant, however the output from this modeling did not meet the statistical confidence thresholds required to predict the impact of this variant on G6PD protein function. In summary, the available evidence is currently insufficient to determine the role of this variant in disease. Therefore, it has been classified as a Variant of Uncertain Significance.